The following is an entry in ClinVar:

ClinVar aggregate classification (germline): Conflicting classifications of pathogenicity. Review status: criteria provided, conflicting classifications (1 of 4 stars). 3 submissions from 2 submitters: Uncertain significance (2); Likely benign (1). Last evaluated 2024-07-06.

Conditions:
Atypical hemolytic-uremic syndrome with B factor anomaly. Also called: HEMOLYTIC UREMIC SYNDROME, ATYPICAL, SUSCEPTIBILITY TO, 4; AHUS, SUSCEPTIBILITY TO, 4. Identifiers: Orphanet 2134, MedGen C2752038, MONDO:0013042, OMIM 612924.
Macular degeneration. Also called: Degenerative disorder of macula. Identifiers: MedGen C0024437, MONDO:0003004, HP:0000608.

Allele frequency attached by ClinVar (database versions not stated): TOPMed 0.00002; gnomAD exomes 0.00004; 1000 Genomes Project 30x 0.00016; 1000 Genomes Project 0.00020.

Submissions (3):

Labcorp Genetics (formerly Invitae), Labcorp
Classification: Uncertain significance. Last evaluated: 2024-07-06. Review status: criteria provided, single submitter. Criteria: Invitae Variant Classification Sherloc (09022015). Collection method: clinical testing. Allele origin: germline.
Comment: This sequence change replaces arginine, which is basic and polar, with tryptophan, which is neutral and slightly polar, at codon 202 of the CFB protein (p.Arg202Trp). This variant is present in population databases (rs537478097, gnomAD 0.01%). This variant has not been reported in the literature in individuals affected with CFB-related conditions. ClinVar contains an entry for this variant (Variation ID: 356275). Advanced modeling of protein sequence and biophysical properties (such as structural, functional, and spatial information, amino acid conservation, physicochemical variation, residue mobility, and thermodynamic stability) performed at Invitae indicates that this missense variant is not expected to disrupt CFB protein function with a negative predictive value of 80%. In summary, the available evidence is currently insufficient to determine the role of this variant in disease. Therefore, it has been classified as a Variant of Uncertain Significance.

Illumina Laboratory Services, Illumina
Classification: Uncertain significance for Macular degeneration. Last evaluated: 2018-01-13. Review status: criteria provided, single submitter. Criteria: ICSL Variant Classification Criteria 13 December 2019. Collection method: clinical testing. Allele origin: germline.

Illumina Laboratory Services, Illumina
Classification: Likely benign for Atypical hemolytic-uremic syndrome with B factor anomaly. Last evaluated: 2018-01-13. Review status: criteria provided, single submitter. Criteria: ICSL Variant Classification Criteria 13 December 2019. Collection method: clinical testing. Allele origin: germline.
Comment: This variant was observed in the ICSL laboratory as part of a predisposition screen in an ostensibly healthy population. It had not been previously curated by ICSL or reported in the Human Gene Mutation Database (HGMD: prior to June 1st, 2018), and was therefore a candidate for classification through an automated scoring system. Utilizing variant allele frequency, disease prevalence and penetrance estimates, and inheritance mode, an automated score was calculated to assess if this variant is too frequent to cause the disease. Based on the score and internal cut-off values, a variant classified as likely benign is not then subjected to further curation. The score for this variant resulted in a classification of likely benign for this disease.

NM_001710.6(CFB):c.604C>T (p.Arg202Trp)

Gene: CFB (complement factor B; plus strand). Cytogenetic location: 6p21.33.
Variant type: single nucleotide variant.
Coding change: c.604C>T on transcript NM_001710.6 (MANE Select); coding-DNA position 604, C replaced by T.
Protein change: p.Arg202Trp; replaces arginine 202 with tryptophan.
Molecular consequence: missense variant.
Genome position (GRCh38, 1-based): chr6:31,947,467, C>T. VCF-style: chr6-31947467-C-T. GRCh37 (hg19) VCF-style: chr6-31915244-C-T.
Other names: short protein forms R202W.
Identifiers: ClinVar variation 356275 (VCV000356275.9), dbSNP rs537478097, ClinGen allele CA3728082.